The following is an entry in ClinVar:

ClinVar aggregate classification (germline): Pathogenic. Review status: criteria provided, single submitter (1 of 4 stars). 2 submissions from 1 submitter: Pathogenic (2). Last evaluated 2015-04-24.

Conditions:
Hereditary nonpolyposis colorectal neoplasms. Identifiers: MedGen C0009405, MeSH D003123.
Lynch syndrome. Identifiers: Orphanet 144, MedGen C4552100, MONDO:0005835. Disease mechanism: loss of function.

Submissions (2):

Labcorp Genetics (formerly Invitae), Labcorp
Classification: Pathogenic for Lynch syndrome. Last evaluated: 2015-04-24. Review status: criteria provided, single submitter. Criteria: Invitae Variant Classification Sherloc (09022015). Collection method: clinical testing. Allele origin: germline.
Comment: This sequence change creates a premature translational stop signal at codon 583 (p.Arg583*). It is expected to result in an absent or disrupted protein product. While this particular sequence change has not been reported in the literature, truncating sequence changes in MSH6 are known to be pathogenic (PMID: 24362816, 18269114). For these reasons, this variant has been classified as Pathogenic.

Labcorp Genetics (formerly Invitae), Labcorp
Classification: Pathogenic for Hereditary nonpolyposis colorectal neoplasms. Last evaluated: 2015-04-24. Review status: criteria provided, single submitter. Criteria: Invitae Variant Classification Sherloc (09022015). Collection method: clinical testing. Allele origin: germline.
Comment: While this particular sequence change has not been reported in the literature, truncating sequence changes in MSH6 are known to be pathogenic (PMID: 24362816, 18269114). For these reasons, this variant has been classified as Pathogenic. This sequence change creates a premature translational stop signal at codon 583 (p.Arg583*). It is expected to result in an absent or disrupted protein product.

Literature cited by the submitters: PubMed 24362816; PubMed 18269114.

NM_000179.3(MSH6):c.1746dup (p.Arg583Ter)

Gene: MSH6 (mutS homolog 6; plus strand). Cytogenetic location: 2p16.3.
Variant type: Duplication.
Coding change: c.1746dup on transcript NM_000179.3 (MANE Select); coding-DNA position 1746, one base duplicated (T; older notation c.1746dupT).
Protein change: p.Arg583Ter; replaces arginine 583 with a stop codon.
Molecular consequence: nonsense.
Genome position (GRCh38, 1-based): chr2:47,799,729, T duplicated; the last of 3 consecutive T bases (chr2:47,799,727-47,799,729); duplicating any one gives the same sequence. VCF-style (leftmost placement, unchanged base first): chr2-47799726-A-AT. GRCh37 (hg19) VCF-style: chr2-48026865-A-AT.
Other names: c.1356dup, p.Arg453Ter (NM_001281492.2); c.840dup, p.Arg281Ter (NM_001281493.2, NM_001281494.2); c.1743_1744insT (NM_000179.2); short protein forms R453*, R583*, R281*.
Identifiers: ClinVar variation 216043 (VCV000216043.10), dbSNP rs863224474, ClinGen allele CA336028.